The following is an entry in ClinVar:

ClinVar aggregate classification (germline): Uncertain significance (1 of 4 stars; one submission).

Conditions:
Hereditary cancer-predisposing syndrome. Also called: Hereditary neoplastic syndrome; Neoplastic Syndromes, Hereditary; Tumor predisposition; Hereditary Cancer Syndrome. Identifiers: Orphanet 140162, MedGen C0027672, MeSH D009386, MONDO:0015356.

gnomAD v4.1: 2 of 1,614,090 alleles (0.00012%); highest among the groups gnomAD compares: African/African-American, 0.0013%; no homozygotes.

Submission:

Ambry Genetics
Classification: Uncertain significance for Hereditary cancer-predisposing syndrome. Last evaluated: 2024-12-19. Review status: criteria provided, single submitter. Criteria: Ambry Variant Classification Scheme 2023. Collection method: clinical testing. Allele origin: germline.
Comment: The p.H281P variant (also known as c.842A>C), located in coding exon 3 of the ALK gene, results from an A to C substitution at nucleotide position 842. The histidine at codon 281 is replaced by proline, an amino acid with similar properties. This amino acid position is conserved. In addition, this alteration is predicted to be tolerated by in silico analysis. Based on the available evidence, the clinical significance of this variant remains unclear.

NM_004304.5(ALK):c.842A>C (p.His281Pro)

Gene: ALK (ALK receptor tyrosine kinase; minus strand). Cytogenetic location: 2p23.2.
Variant type: single nucleotide variant.
Coding change: c.842A>C on transcript NM_004304.5 (MANE Select); coding-DNA position 842, A replaced by C.
Protein change: p.His281Pro; replaces histidine 281 with proline.
Molecular consequence: missense variant.
Genome position (GRCh38, 1-based): chr2:29,694,960, T>G on the plus strand (A>C on the coding strand, the complement: ALK is on the minus strand). VCF-style: chr2-29694960-T-G. GRCh37 (hg19) VCF-style: chr2-29917826-T-G.
Other names: short protein forms H281P.
Identifiers: ClinVar variation 3853813 (VCV003853813.1).